The following is an entry in ClinVar:

ClinVar aggregate classification (germline): Conflicting classifications of pathogenicity. Review status: criteria provided, conflicting classifications (1 of 4 stars). 4 submissions from 4 submitters: Likely pathogenic (1); Uncertain significance (3). Last evaluated 2025-07-16.

Conditions:
Neurofibromatosis, type 1 (NF1). Also called: VON RECKLINGHAUSEN DISEASE; NEUROFIBROMATOSIS, TYPE I, SOMATIC; Peripheral type neurofibromatosis; Neurofibromatosis, type I. Identifiers: Orphanet 636, MedGen C0027831, MONDO:0018975, OMIM 162200. Disease mechanism: loss of function.
Cardiovascular phenotype. Identifiers: MedGen CN230736.
Hereditary cancer-predisposing syndrome. Also called: Tumor predisposition; Neoplastic Syndromes, Hereditary; Hereditary Cancer Syndrome; Hereditary neoplastic syndrome. Identifiers: Orphanet 140162, MedGen C0027672, MeSH D009386, MONDO:0015356.

Allele frequency attached by ClinVar (database versions not stated): TOPMed below 0.00001.

Submissions (4):

Ambry Genetics
Classification: Likely pathogenic for Cardiovascular phenotype; Hereditary cancer-predisposing syndrome. Last evaluated: 2025-07-16. Review status: criteria provided, single submitter. Criteria: Ambry Variant Classification Scheme 2023. Collection method: clinical testing. Allele origin: germline.
Comment: The p.A545P variant (also known as c.1633G>C), located in coding exon 14 of the NF1 gene, results from a G to C substitution at nucleotide position 1633. The alanine at codon 545 is replaced by proline, an amino acid with highly similar properties. This variant was reported in individual(s) with features consistent with Neurofibromatosis type 1 (Ambry internal data). This missense alteration is located in a region that has a low rate of benign missense variation (Lek M et al. Nature. 2016 Aug 18;536(7616):285-91; DECIPHER: Database of Chromosomal Imbalance and Phenotype in Humans using Ensembl Resources. Firth H.V. et al. 2009. Am.J.Hum.Genet. 84, 524-533 (DOI)). This amino acid position is conserved. In addition, this alteration is predicted to be deleterious by in silico analysis. This variant is considered to be rare based on population cohorts in the Genome Aggregation Database (gnomAD). Based on the majority of available evidence to date, this variant is likely to be pathogenic.

Genome-Nilou Lab
Classification: Uncertain significance for Neurofibromatosis, type 1. Last evaluated: 2022-03-15. Review status: criteria provided, single submitter. Criteria: ACMG Guidelines, 2015. Collection method: clinical testing. Allele origin: germline. Affected: no.

Labcorp Genetics (formerly Invitae), Labcorp
Classification: Uncertain significance for Neurofibromatosis, type 1. Last evaluated: 2021-07-31. Review status: criteria provided, single submitter. Criteria: Invitae Variant Classification Sherloc (09022015). Collection method: clinical testing. Allele origin: germline.
Comment: This variant is not present in population databases (ExAC no frequency). This sequence change replaces alanine with proline at codon 545 of the NF1 protein (p.Ala545Pro). The alanine residue is moderately conserved and there is a small physicochemical difference between alanine and proline. Advanced modeling of protein sequence and biophysical properties (such as structural, functional, and spatial information, amino acid conservation, physicochemical variation, residue mobility, and thermodynamic stability) performed at Invitae indicates that this missense variant is expected to disrupt NF1 protein function. ClinVar contains an entry for this variant (Variation ID: 618760). In summary, the available evidence is currently insufficient to determine the role of this variant in disease. Therefore, it has been classified as a Variant of Uncertain Significance. This variant has not been reported in the literature in individuals affected with NF1-related conditions.

ARUP Laboratories, Molecular Genetics and Genomics, ARUP Laboratories
Classification: Uncertain significance. Last evaluated: 2018-05-21. Review status: criteria provided, single submitter. Criteria: ARUP Molecular Germline Variant Investigation Process. Collection method: clinical testing. Allele origin: germline.
Comment: The NF1 c.1633G>C; p.Ala545Pro variant, to our knowledge, is not reported in the medical literature or gene-specific database. It is also absent from general population databases (1000 Genomes Project, Exome Variant Server, and Genome Aggregation Database), indicating it is not a common polymorphism. The alanine at codon 545 is highly conserved, but computational algorithms (PolyPhen-2: benign, SIFT: damaging) are inconclusive on the effect of this variant on protein structure and/or function. Due to the lack of clinical and functional data regarding this variant, its clinical significance cannot be determined with certainty.

NM_001042492.3(NF1):c.1633G>C (p.Ala545Pro)

Gene: NF1 (neurofibromin 1; plus strand). Cytogenetic location: 17q11.2.
Variant type: single nucleotide variant.
Coding change: c.1633G>C on transcript NM_001042492.3 (MANE Select); coding-DNA position 1633, G replaced by C.
Protein change: p.Ala545Pro; replaces alanine 545 with proline.
Molecular consequence: missense variant.
Genome position (GRCh38, 1-based): chr17:31,219,110, G>C. VCF-style: chr17-31219110-G-C. GRCh37 (hg19) VCF-style: chr17-29546128-G-C.
Other names: c.1633G>C, p.Ala545Pro (NM_000267.4, NM_001128147.3); short protein forms A545P.
Identifiers: ClinVar variation 618760 (VCV000618760.16), dbSNP rs1567843945, ClinGen allele CA399002141.